The following is an entry in ClinVar:

ClinVar aggregate classification (germline): Uncertain significance (1 of 4 stars; one submission).

Conditions:
Gamma-aminobutyric acid transaminase deficiency (GABATD). Also called: GABA transaminase deficiency; Gamma aminobutyrate transaminase deficiency; 4 alpha aminobutyrate transaminase deficiency; GABA aminotransaminase deficiency. Identifiers: Orphanet 2066, MedGen C0342708, MONDO:0013166, OMIM 613163.

Allele frequency attached by ClinVar (database versions not stated): gnomAD exomes below 0.00001.
gnomAD v4.1: 1 of 1,614,202 alleles (0.000062%); highest among the groups gnomAD compares: Non-Finnish European, 0.000085%; no homozygotes.

Submission:

Labcorp Genetics (formerly Invitae), Labcorp
Classification: Uncertain significance for Gamma-aminobutyric acid transaminase deficiency. Last evaluated: 2020-03-07. Review status: criteria provided, single submitter. Criteria: Invitae Variant Classification Sherloc (09022015). Collection method: clinical testing. Allele origin: germline.
Comment: In summary, the available evidence is currently insufficient to determine the role of this variant in disease. Therefore, it has been classified as a Variant of Uncertain Significance. Algorithms developed to predict the effect of missense changes on protein structure and function are either unavailable or do not agree on the potential impact of this missense change (SIFT: "Deleterious"; PolyPhen-2: "Possibly Damaging"; Align-GVGD: "Class C0"). This variant has not been reported in the literature in individuals with ABAT-related conditions. This variant is not present in population databases (ExAC no frequency). This sequence change replaces methionine with arginine at codon 353 of the ABAT protein (p.Met353Arg). The methionine residue is moderately conserved and there is a moderate physicochemical difference between methionine and arginine.

NM_020686.6(ABAT):c.1058T>G (p.Met353Arg)

Gene: ABAT (4-aminobutyrate aminotransferase; plus strand). Cytogenetic location: 16p13.2.
Variant type: single nucleotide variant.
Coding change: c.1058T>G on transcript NM_020686.6 (MANE Select); coding-DNA position 1058, T replaced by G.
Protein change: p.Met353Arg; replaces methionine 353 with arginine.
Molecular consequence: missense variant.
Genome position (GRCh38, 1-based): chr16:8,774,993, T>G. VCF-style: chr16-8774993-T-G. GRCh37 (hg19) VCF-style: chr16-8868850-T-G.
Other names: c.1058T>G, p.Met353Arg (NM_000663.5, NM_001127448.2, NM_001386600.1 and 6 more transcripts); c.1019T>G, p.Met340Arg (NM_001386605.1); c.995T>G, p.Met332Arg (NM_001386606.1, NM_001386607.1); c.965T>G, p.Met322Arg (NM_001386608.1); c.923T>G, p.Met308Arg (NM_001386610.1, NM_001386611.1); c.860T>G, p.Met287Arg (NM_001386612.1, NM_001386613.1); c.812T>G, p.Met271Arg (NM_001386614.1); c.1154T>G, p.Met385Arg (NM_001386615.1); short protein forms M353R, M271R, M287R, M308R, M322R, M332R, M340R, M385R.
Identifiers: ClinVar variation 846436 (VCV000846436.10), dbSNP rs2060224524, ClinGen allele CA394689964.